The following is an entry in ClinVar:

ClinVar aggregate classification (germline): Conflicting classifications of pathogenicity. Review status: criteria provided, conflicting classifications (1 of 4 stars). 2 submissions from 2 submitters: Uncertain significance (1); Likely benign (1). Last evaluated 2025-06-15.

Conditions:
Inborn genetic diseases. Identifiers: MedGen C0950123, MeSH D030342.
Mowat-Wilson syndrome (MOWS). Also called: Classic Mowat-Wilson Syndrome. Identifiers: Orphanet 2152, MedGen C1856113, MONDO:0009341, OMIM 235730.

Allele frequency attached by ClinVar (database versions not stated): gnomAD exomes 0.00002 and 0.00001; gnomAD 0.00001 and 0.00002; TOPMed 0.00001.
gnomAD v4.1: 26 of 1,613,948 alleles (0.0016%); highest among the groups gnomAD compares: Admixed American, 0.0083%; no homozygotes.

Submissions (2):

Labcorp Genetics (formerly Invitae), Labcorp
Classification: Uncertain significance for Mowat-Wilson syndrome. Last evaluated: 2025-06-15. Review status: criteria provided, single submitter. Criteria: Invitae Variant Classification Sherloc (09022015). Collection method: clinical testing. Allele origin: germline.
Comment: This sequence change replaces glycine, which is neutral and non-polar, with glutamic acid, which is acidic and polar, at codon 925 of the ZEB2 protein (p.Gly925Glu). This variant is present in population databases (no rsID available, gnomAD 0.006%). This variant has not been reported in the literature in individuals affected with ZEB2-related conditions. ClinVar contains an entry for this variant (Variation ID: 580028). Invitae Evidence Modeling incorporating data from in vitro experimental studies (internal data) indicates that this missense variant is not expected to disrupt ZEB2 function with a negative predictive value of 95%. In summary, the available evidence is currently insufficient to determine the role of this variant in disease. Therefore, it has been classified as a Variant of Uncertain Significance.

Ambry Genetics
Classification: Likely benign for Inborn genetic diseases. Last evaluated: 2024-08-05. Review status: criteria provided, single submitter. Criteria: Ambry Variant Classification Scheme 2023. Collection method: clinical testing. Allele origin: germline.

NM_014795.4(ZEB2):c.2774G>A (p.Gly925Glu)

Gene: ZEB2 (zinc finger E-box binding homeobox 2; minus strand). Cytogenetic location: 2q22.3.
Variant type: single nucleotide variant.
Coding change: c.2774G>A on transcript NM_014795.4 (MANE Select); coding-DNA position 2774, G replaced by A.
Protein change: p.Gly925Glu; replaces glycine 925 with glutamic acid.
Molecular consequence: missense variant.
Genome position (GRCh38, 1-based): chr2:144,398,413, C>T on the plus strand (G>A on the coding strand, the complement: ZEB2 is on the minus strand). VCF-style: chr2-144398413-C-T. GRCh37 (hg19) VCF-style: chr2-145155980-C-T.
Other names: c.2702G>A, p.Gly901Glu (NM_001171653.2); short protein forms G925E, G901E.
Identifiers: ClinVar variation 580028 (VCV000580028.9), dbSNP rs1408659659, ClinGen allele CA348707017.